The following is an entry in ClinVar:

NM_016333.4(SRRM2):c.265G>A (p.Glu89Lys)

Gene: SRRM2 (serine/arginine repetitive matrix 2; plus strand). Cytogenetic location: 16p13.3.
Variant type: single nucleotide variant.
Coding change: c.265G>A on transcript NM_016333.4 (MANE Select); coding-DNA position 265, G replaced by A.
Protein change: p.Glu89Lys; replaces glutamic acid 89 with lysine.
Molecular consequence: missense variant.
Genome position (GRCh38, 1-based): chr16:2,757,494, G>A. VCF-style: chr16-2757494-G-A. GRCh37 (hg19) VCF-style: chr16-2807495-G-A.
Other names: short protein forms E89K.
Identifiers: ClinVar variation 4990896 (VCV004990896.1).

ClinVar aggregate classification (germline): Uncertain significance (1 of 4 stars; one submission).

Conditions:
SRRM2-related disorder. Also called: SRRM2-related condition.

Submission:

PreventionGenetics, part of Exact Sciences
Classification: Uncertain significance for SRRM2-related condition. Last evaluated: 2026-01-30. Review status: criteria provided, single submitter. Criteria: ACMG Guidelines, 2015. Collection method: clinical testing. Allele origin: germline.
Comment: The SRRM2 c.265G>A variant is predicted to result in the amino acid substitution p.Glu89Lys. To our knowledge, this variant has not been reported in the literature or in a large population database (gnomAD), indicating this variant is rare. At this time, the clinical significance of this variant is uncertain due to the absence of conclusive functional and genetic evidence.